The following is an entry in ClinVar:

ClinVar aggregate classification (germline): Conflicting classifications of pathogenicity. Review status: criteria provided, conflicting classifications (1 of 4 stars). 3 submissions from 3 submitters: Likely pathogenic (1); Uncertain significance (2). Last evaluated 2025-06-16.

Conditions:
Cardiomyopathy (CMYO). Also called: Cardiomyopathies. Identifiers: Orphanet 167848, MedGen C0878544, MONDO:0004994, HP:0001638. Inheritance: Various modes of inheritance.
Catecholaminergic polymorphic ventricular tachycardia 1. Also called: VENTRICULAR TACHYCARDIA, STRESS-INDUCED POLYMORPHIC 1; VENTRICULAR TACHYCARDIA, CATECHOLAMINERGIC POLYMORPHIC, 1, WITH OR WITHOUT ATRIAL DYSFUNCTION AND/OR DILATED CARDIOMYOPATHY; RYR2-Related Catecholaminergic Polymorphic Ventricular Tachycardia. Identifiers: Orphanet 3286, MedGen C1631597, MONDO:0011484, OMIM 604772.

Allele frequency attached by ClinVar (database versions not stated): gnomAD 0.00001; TOPMed 0.00001.
gnomAD v4.1: 1 of 1,606,956 alleles (0.000062%); highest among the groups gnomAD compares: Non-Finnish European, 0.000085%; no homozygotes.

Submissions (3):

Labcorp Genetics (formerly Invitae), Labcorp
Classification: Likely pathogenic for Catecholaminergic polymorphic ventricular tachycardia 1. Last evaluated: 2025-06-16. Review status: criteria provided, single submitter. Criteria: Invitae Variant Classification Sherloc (09022015). Collection method: clinical testing. Allele origin: germline.
Comment: This sequence change replaces cysteine, which is neutral and slightly polar, with tyrosine, which is neutral and polar, at codon 3800 of the RYR2 protein (p.Cys3800Tyr). This variant is not present in population databases (gnomAD no frequency). This variant has not been reported in the literature in individuals affected with RYR2-related conditions. ClinVar contains an entry for this variant (Variation ID: 1677662). Invitae Evidence Modeling of protein sequence and biophysical properties (such as structural, functional, and spatial information, amino acid conservation, physicochemical variation, residue mobility, and thermodynamic stability) indicates that this missense variant is expected to disrupt RYR2 protein function with a positive predictive value of 95%. This variant disrupts the p.Cys3800 amino acid residue in RYR2. Other variant(s) that disrupt this residue have been determined to be pathogenic (internal data). This suggests that this residue is clinically significant, and that variants that disrupt this residue are likely to be disease-causing. In summary, the currently available evidence indicates that the variant is pathogenic, but additional data are needed to prove that conclusively. Therefore, this variant has been classified as Likely Pathogenic.

Color Diagnostics, LLC DBA Color Health
Classification: Uncertain significance for Cardiomyopathy. Last evaluated: 2023-11-08. Review status: criteria provided, single submitter. Criteria: ACMG Guidelines, 2015. Collection method: clinical testing. Allele origin: germline.
Comment: This missense variant replaces cysteine with tyrosine at codon 3800 of the RYR2 protein. Computational prediction suggests that this variant may have deleterious impact on protein structure and function. To our knowledge, functional studies have not been reported for this variant. This variant has not been reported in individuals affected with RYR2-related disorders in the literature. This variant has not been identified in the general population by the Genome Aggregation Database (gnomAD). The available evidence is insufficient to determine the role of this variant in disease conclusively. Therefore, this variant is classified as a Variant of Uncertain Significance.

AiLife Diagnostics
Classification: Uncertain significance. Last evaluated: 2021-11-25. Review status: criteria provided, single submitter. Criteria: ACMG Guidelines, 2015. Collection method: clinical testing. Allele origin: germline. Affected: yes. Observed: 1 variant allele.

NM_001035.3(RYR2):c.11399G>A (p.Cys3800Tyr)

Gene: RYR2 (ryanodine receptor 2; plus strand). Cytogenetic location: 1q43.
Variant type: single nucleotide variant.
Coding change: c.11399G>A on transcript NM_001035.3 (MANE Select); coding-DNA position 11399, G replaced by A.
Protein change: p.Cys3800Tyr; replaces cysteine 3800 with tyrosine.
Molecular consequence: missense variant.
Genome position (GRCh38, 1-based): chr1:237,759,849, G>A. VCF-style: chr1-237759849-G-A. GRCh37 (hg19) VCF-style: chr1-237923149-G-A.
Other names: short protein forms C3800Y.
Identifiers: ClinVar variation 1677662 (VCV001677662.3), dbSNP rs1239093704, ClinGen allele CA345429008.